The following is an entry in ClinVar:

NM_033109.5(PNPT1):c.161+49G>A

Gene: PNPT1 (polyribonucleotide nucleotidyltransferase 1; minus strand). Cytogenetic location: 2p16.1.
Variant type: single nucleotide variant.
Coding change: c.161+49G>A on transcript NM_033109.5 (MANE Select); 49 bases into the intron after coding-DNA position 161, G replaced by A.
Molecular consequence: intron variant.
Genome position (GRCh38, 1-based): chr2:55,693,614, C>T on the plus strand (G>A on the coding strand, the complement: PNPT1 is on the minus strand). VCF-style: chr2-55693614-C-T. GRCh37 (hg19) VCF-style: chr2-55920749-C-T.
Identifiers: ClinVar variation 675480 (VCV000675480.2), dbSNP rs73942924, ClinGen allele CA1668606.
Genomic context (GRCh38, chr2:55,693,614, plus strand): 5'-AGATTAAATAGAGCTGGGATACCGGGTTTCTACCCTGGGAGATGAATACGCTCAAGCTGG[C>T]TGGACAAGACACCTTATGACAATACAGTGAACGCACGTCACTCCTTACCTGTTGCCTAAG-3'

ClinVar aggregate classification (germline): Benign. Review status: criteria provided, multiple submitters, no conflicts (2 of 4 stars). 2 submissions from 2 submitters: Benign (2). Last evaluated 2018-06-14.

Allele frequency attached by ClinVar (database versions not stated): gnomAD exomes 0.00433 and 0.01096; ExAC 0.01268; gnomAD 0.03794 and 0.04048; 1000 Genomes Project 0.04193; TOPMed 0.04277; ESP Exome Variant Server 0.04498; 1000 Genomes Project 30x 0.04622.
gnomAD v4.1: 12,314 of 1,599,764 alleles (0.77%); highest among the groups gnomAD compares: African/African-American, 13%; 661 homozygotes.

Submissions (2):

GeneDx
Classification: Benign. Last evaluated: 2018-06-14. Review status: criteria provided, single submitter. Criteria: GeneDx Variant Classification (06012015). Collection method: clinical testing. Allele origin: germline. Affected: yes.
Comment: This variant is considered likely benign or benign based on one or more of the following criteria: it is a conservative change, it occurs at a poorly conserved position in the protein, it is predicted to be benign by multiple in silico algorithms, and/or has population frequency not consistent with disease.

Breakthrough Genomics
Classification: Benign. Review status: criteria provided, single submitter. Criteria: ACMG Guidelines, 2015. Collection method: not provided. Allele origin: germline. Inheritance: Autosomal recessive inheritance. Affected: yes.